The following is an entry in ClinVar:

ClinVar aggregate classification (germline): Likely benign. Review status: criteria provided, single submitter (1 of 4 stars). 2 submissions from 2 submitters: Likely benign (1). 1 of the submissions does not count toward it. Last evaluated 2024-03-08.

Conditions:
WNK1-related disorder. Also called: WNK1-related condition.
Neuropathy, hereditary sensory and autonomic, type 2A (HSAN2A). Also called: WNK1-Related HSAN2 (HSAN2A); MORVAN DISEASE; NEUROPATHY, CONGENITAL SENSORY; NEUROPATHY, HEREDITARY SENSORY RADICULAR, AUTOSOMAL RECESSIVE; NEUROPATHY, HEREDITARY SENSORY, TYPE IIA; NEUROPATHY, PROGRESSIVE SENSORY, OF CHILDREN. Identifiers: Orphanet 970, MedGen C2752089, MONDO:0024309, OMIM 201300.
Pseudohypoaldosteronism type 2C (PHA2C). Also called: Pseudohypoaldosteronism Type IIC. Identifiers: Orphanet 757, Orphanet 88940, MedGen C1840391, MONDO:0013778, OMIM 614492.

Allele frequency attached by ClinVar (database versions not stated): gnomAD 0.00007 and 0.00011; TOPMed 0.00010; gnomAD exomes 0.00011 and 0.00025; 1000 Genomes Project 30x 0.00016; 1000 Genomes Project 0.00020; ExAC 0.00026.
gnomAD v4.1: 178 of 1,613,744 alleles (0.011%); highest among the groups gnomAD compares: South Asian, 0.17%; 1 homozygote.

Submissions (2):

Labcorp Genetics (formerly Invitae), Labcorp
Classification: Likely benign for Neuropathy, hereditary sensory and autonomic, type 2A; Pseudohypoaldosteronism type 2C. Last evaluated: 2024-03-08. Review status: criteria provided, single submitter. Criteria: Invitae Variant Classification Sherloc (09022015). Collection method: clinical testing. Allele origin: germline.

PreventionGenetics, part of Exact Sciences
Classification: Likely benign for WNK1-related condition. Last evaluated: 2019-04-19. Review status: no assertion criteria provided. Collection method: clinical testing. Allele origin: germline. Not counted in ClinVar's aggregate classification.
Comment: This variant is classified as likely benign based on ACMG/AMP sequence variant interpretation guidelines (Richards et al. 2015 PMID: 25741868, with internal and published modifications).

NM_018979.4(WNK1):c.4578A>G (p.Ala1526=)

Gene: WNK1 (WNK lysine deficient protein kinase 1; plus strand). Cytogenetic location: 12p13.33.
Variant type: single nucleotide variant.
Coding change: c.4578A>G on transcript NM_018979.4 (MANE Select); coding-DNA position 4578, A replaced by G.
Protein change: p.Ala1526=; no amino-acid change (alanine 1526 retained).
Molecular consequence: synonymous variant.
Genome position (GRCh38, 1-based): chr12:885,382, A>G. VCF-style: chr12-885382-A-G. GRCh37 (hg19) VCF-style: chr12-994548-A-G.
Other names: c.5358A>G, p.Ala1786= (NM_001184985.2); c.3837A>G, p.Ala1279= (NM_014823.3); c.5334A>G, p.Ala1778= (NM_213655.5).
Identifiers: ClinVar variation 707746 (VCV000707746.10), dbSNP rs541711074, ClinGen allele CA6382999.